The following is an entry in ClinVar:

ClinVar aggregate classification (germline): Uncertain significance. Review status: criteria provided, multiple submitters, no conflicts (2 of 4 stars). 4 submissions from 3 submitters: Uncertain significance (4). Last evaluated 2025-01-16.

Conditions:
DYNC1H1-related disorder. Also called: DYNC1H1-related condition; DYNC1H1-related disorders. Identifiers: MedGen CN381529.
Autosomal dominant cerebellar ataxia. Also called: Spinocerebellar Ataxia, Dominant. Identifiers: Orphanet 99, MedGen C4087347, MONDO:0020380.
Charcot-Marie-Tooth disease axonal type 2O. Also called: Charcot-Marie-Tooth disease, axonal, type 20; CHARCOT-MARIE-TOOTH NEUROPATHY, AXONAL, TYPE 2O; CHARCOT-MARIE-TOOTH DISEASE, AXONAL, AUTOSOMAL DOMINANT, TYPE 2O; Charcot-Marie-Tooth Neuropathy Type 2O. Identifiers: Orphanet 284232, MedGen C3280220, MONDO:0013644, OMIM 614228.

Allele frequency attached by ClinVar (database versions not stated): TOPMed below 0.00001.

Submissions (4):

PreventionGenetics, part of Exact Sciences
Classification: Uncertain significance for DYNC1H1-related condition. Last evaluated: 2025-01-16. Review status: criteria provided, single submitter. Criteria: ACMG Guidelines, 2015. Collection method: clinical testing. Allele origin: germline.
Comment: The DYNC1H1 c.9503C>T variant is predicted to result in the amino acid substitution p.Thr3168Met. To our knowledge, this variant has not been reported in the literature or in a large population database (gnomAD), indicating this variant is rare. At this time, the clinical significance of this variant is uncertain due to the absence of conclusive functional and genetic evidence.

Labcorp Genetics (formerly Invitae), Labcorp
Classification: Uncertain significance for Charcot-Marie-Tooth disease axonal type 2O. Last evaluated: 2023-08-04. Review status: criteria provided, single submitter. Criteria: Invitae Variant Classification Sherloc (09022015). Collection method: clinical testing. Allele origin: germline.
Comment: This variant is not present in population databases (gnomAD no frequency). This sequence change replaces threonine, which is neutral and polar, with methionine, which is neutral and non-polar, at codon 3168 of the DYNC1H1 protein (p.Thr3168Met). In summary, the available evidence is currently insufficient to determine the role of this variant in disease. Therefore, it has been classified as a Variant of Uncertain Significance. Advanced modeling of protein sequence and biophysical properties (such as structural, functional, and spatial information, amino acid conservation, physicochemical variation, residue mobility, and thermodynamic stability) has been performed at Invitae for this missense variant, however the output from this modeling did not meet the statistical confidence thresholds required to predict the impact of this variant on DYNC1H1 protein function. ClinVar contains an entry for this variant (Variation ID: 884026). This variant has not been reported in the literature in individuals affected with DYNC1H1-related conditions.

Illumina Laboratory Services, Illumina
Classification: Uncertain significance for Spinocerebellar Ataxia, Dominant. Last evaluated: 2018-01-12. Review status: criteria provided, single submitter. Criteria: ICSL Variant Classification Criteria 13 December 2019. Collection method: clinical testing. Allele origin: germline.

Illumina Laboratory Services, Illumina
Classification: Uncertain significance for Charcot-Marie-Tooth disease axonal type 2O. Last evaluated: 2018-01-12. Review status: criteria provided, single submitter. Criteria: ICSL Variant Classification Criteria 13 December 2019. Collection method: clinical testing. Allele origin: germline.

NM_001376.5(DYNC1H1):c.9503C>T (p.Thr3168Met)

Gene: DYNC1H1 (dynein cytoplasmic 1 heavy chain 1; plus strand). Cytogenetic location: 14q32.31.
Variant type: single nucleotide variant.
Coding change: c.9503C>T on transcript NM_001376.5 (MANE Select); coding-DNA position 9503, C replaced by T.
Protein change: p.Thr3168Met; replaces threonine 3168 with methionine.
Molecular consequence: missense variant.
Genome position (GRCh38, 1-based): chr14:102,029,573, C>T. VCF-style: chr14-102029573-C-T. GRCh37 (hg19) VCF-style: chr14-102495910-C-T.
Other names: short protein forms T3168M.
Identifiers: ClinVar variation 884026 (VCV000884026.9), dbSNP rs2048487270, ClinGen allele CA391015307.